The following is an entry in ClinVar:

NM_001303256.3(MORC2):c.2469G>C (p.Arg823=)

Gene: MORC2 (MORC family CW-type zinc finger 2; minus strand). Cytogenetic location: 22q12.2.
Variant type: single nucleotide variant.
Coding change: c.2469G>C on transcript NM_001303256.3 (MANE Select); coding-DNA position 2469, G replaced by C.
Protein change: p.Arg823=; no amino-acid change (arginine 823 retained).
Molecular consequence: synonymous variant.
Genome position (GRCh38, 1-based): chr22:30,932,942, C>G on the plus strand (G>C on the coding strand, the complement: MORC2 is on the minus strand). VCF-style: chr22-30932942-C-G. GRCh37 (hg19) VCF-style: chr22-31328929-C-G.
Other names: p.Arg823=; c.2469G>C, p.Arg823= (NM_001303257.2); c.2283G>C, p.Arg761= (NM_014941.3).
Identifiers: ClinVar variation 475582 (VCV000475582.54), dbSNP rs41279971, ClinGen allele CA10186645.

ClinVar aggregate classification (germline): Benign/Likely benign. Review status: criteria provided, multiple submitters, no conflicts (2 of 4 stars). 8 submissions from 7 submitters: Benign (6); Likely benign (2). Last evaluated 2026-09-01.

Conditions:
Developmental delay, impaired growth, dysmorphic facies, and axonal neuropathy. Identifiers: MedGen C5436781, MONDO:0030835, OMIM 619090.
Charcot-Marie-Tooth disease axonal type 2Z. Also called: CHARCOT-MARIE-TOOTH DISEASE, AXONAL, AUTOSOMAL DOMINANT, TYPE 2Z; CHARCOT-MARIE-TOOTH NEUROPATHY, TYPE 2Z. Identifiers: Orphanet 466768, MedGen C5569025, MONDO:0014736, OMIM 616688.

Allele frequency attached by ClinVar (database versions not stated): gnomAD 0.00436 and 0.00486; TOPMed 0.00458; 1000 Genomes Project 30x 0.00500; 1000 Genomes Project 0.00559; ESP Exome Variant Server 0.00630.
gnomAD v4.1: 11,834 of 1,614,190 alleles (0.73%); highest among the groups gnomAD compares: Middle Eastern, 2%; 80 homozygotes.

Submissions (8):

CeGaT Center for Human Genetics Tuebingen
Classification: Benign. Last evaluated: 2026-09-01. Review status: criteria provided, single submitter. Criteria: CeGaT Center For Human Genetics Tuebingen Variant Classification Criteria Version 2. Collection method: clinical testing. Allele origin: germline. Affected: yes. Observed: 39 variant alleles.
Comment: MORC2: BP4, BP7, BS1, BS2

Labcorp Genetics (formerly Invitae), Labcorp
Classification: Benign for Charcot-Marie-Tooth disease axonal type 2Z. Last evaluated: 2026-02-02. Review status: criteria provided, single submitter. Criteria: Invitae Variant Classification Sherloc (09022015). Collection method: clinical testing. Allele origin: germline.

ARUP Laboratories, Molecular Genetics and Genomics, ARUP Laboratories
Classification: Benign. Last evaluated: 2025-04-02. Review status: criteria provided, single submitter. Criteria: ARUP Molecular Germline Variant Investigation Process 2024. Collection method: clinical testing. Allele origin: germline.

Mayo Clinic Laboratories, Mayo Clinic
Classification: Benign. Last evaluated: 2023-03-03. Review status: criteria provided, single submitter. Criteria: ACMG Guidelines, 2015. Collection method: clinical testing. Allele origin: germline. Observed: 20 variant alleles.
Comment: BS1, BS2, BP4, BP7

Genome-Nilou Lab
Classification: Benign for Charcot-Marie-Tooth disease axonal type 2Z. Last evaluated: 2022-03-15. Review status: criteria provided, single submitter. Criteria: ACMG Guidelines, 2015. Collection method: clinical testing. Allele origin: germline. Affected: no.

Genome-Nilou Lab
Classification: Benign for Developmental delay, impaired growth, dysmorphic facies, and axonal neuropathy. Last evaluated: 2022-03-15. Review status: criteria provided, single submitter. Criteria: ACMG Guidelines, 2015. Collection method: clinical testing. Allele origin: germline. Affected: no.

GeneDx
Classification: Likely benign. Last evaluated: 2021-09-24. Review status: criteria provided, single submitter. Criteria: GeneDx Variant Classification Process June 2021. Collection method: clinical testing. Allele origin: germline. Affected: yes.

Breakthrough Genomics
Classification: Likely benign. Review status: criteria provided, single submitter. Criteria: ACMG Guidelines, 2015. Collection method: not provided. Allele origin: germline. Inheritance: Autosomal dominant inheritance. Affected: yes.